The following is an entry in ClinVar:

NM_058216.3(RAD51C):c.146-12T>C

Gene: RAD51C (RAD51 paralog C; plus strand). Cytogenetic location: 17q22.
Variant type: single nucleotide variant.
Coding change: c.146-12T>C on transcript NM_058216.3 (MANE Select); 12 bases into the intron before coding-DNA position 146, T replaced by C.
Molecular consequence: intron variant.
Genome position (GRCh38, 1-based): chr17:58,694,919, T>C. VCF-style: chr17-58694919-T-C. GRCh37 (hg19) VCF-style: chr17-56772280-T-C.
Other names: c.146-12T>C (NM_002876.4).
Identifiers: ClinVar variation 3904046 (VCV003904046.1).

ClinVar aggregate classification (germline): Likely benign (1 of 4 stars; one submission).

Conditions:
Breast-ovarian cancer, familial, susceptibility to, 3. Also called: RAD51C-Related Breast/Ovarian Cancer. Identifiers: Orphanet 145, MedGen C3150659, MONDO:0013253, OMIM 613399.

Submission:

Myriad Genetics, Inc.
Classification: Likely benign for Breast-ovarian cancer, familial, susceptibility to, 3. Last evaluated: 2025-02-14. Review status: criteria provided, single submitter. Criteria: Myriad Autosomal Dominant, Autosomal Recessive and X-Linked Classification Criteria (2023). Collection method: clinical testing. Allele origin: unknown.
Comment: This variant is considered likely benign. This variant is intronic and is not expected to impact mRNA splicing.